The following is an entry in ClinVar:

NM_003073.5(SMARCB1):c.373G>A (p.Ala125Thr)

Gene: SMARCB1 (SWI/SNF related BAF chromatin remodeling complex subunit B1; plus strand). Cytogenetic location: 22q11.23.
Variant type: single nucleotide variant.
Coding change: c.373G>A on transcript NM_003073.5 (MANE Select); coding-DNA position 373, G replaced by A.
Protein change: p.Ala125Thr; replaces alanine 125 with threonine.
Molecular consequence: missense variant.
Genome position (GRCh38, 1-based): chr22:23,800,954, G>A. VCF-style: chr22-23800954-G-A. GRCh37 (hg19) VCF-style: chr22-24143141-G-A.
Other names: c.346G>A, p.Ala116Thr (NM_001007468.3, NM_001317946.2); c.373G>A, p.Ala125Thr (NM_001362877.2); short protein forms A116T, A125T.
Identifiers: ClinVar variation 3617343 (VCV003617343.2).

ClinVar aggregate classification (germline): Uncertain significance (1 of 4 stars; one submission).

Submission:

Labcorp Genetics (formerly Invitae), Labcorp
Classification: Uncertain significance. Last evaluated: 2024-07-18. Review status: criteria provided, single submitter. Criteria: Invitae Variant Classification Sherloc (09022015). Collection method: clinical testing. Allele origin: germline.
Comment: This sequence change replaces alanine, which is neutral and non-polar, with threonine, which is neutral and polar, at codon 125 of the SMARCB1 protein (p.Ala125Thr). This variant is not present in population databases (gnomAD no frequency). This variant has not been reported in the literature in individuals affected with SMARCB1-related conditions. Advanced modeling of protein sequence and biophysical properties (such as structural, functional, and spatial information, amino acid conservation, physicochemical variation, residue mobility, and thermodynamic stability) performed at Invitae indicates that this missense variant is not expected to disrupt SMARCB1 protein function with a negative predictive value of 80%. In summary, the available evidence is currently insufficient to determine the role of this variant in disease. Therefore, it has been classified as a Variant of Uncertain Significance.